The following is an entry in ClinVar:

ClinVar aggregate classification (germline): Conflicting classifications of pathogenicity. Review status: criteria provided, conflicting classifications (1 of 4 stars). 3 submissions from 3 submitters: Likely pathogenic (2); Uncertain significance (1). Last evaluated 2025-12-04.

Conditions:
Familial thoracic aortic aneurysm and aortic dissection (TAAD). Also called: Thoracic aortic aneurysms and dissections. Identifiers: Orphanet 91387, MedGen C4707243, MONDO:0019625.

Submissions (3):

Labcorp Genetics (formerly Invitae), Labcorp
Classification: Likely pathogenic for Familial thoracic aortic aneurysm and aortic dissection. Last evaluated: 2025-12-04. Review status: criteria provided, single submitter. Criteria: Invitae Variant Classification Sherloc (09022015). Collection method: clinical testing. Allele origin: germline.
Comment: This sequence change replaces glycine, which is neutral and non-polar, with aspartic acid, which is acidic and polar, at codon 312 of the TGFBR1 protein (p.Gly312Asp). This variant is not present in population databases (gnomAD no frequency). This missense change has been observed in individual(s) with clinical features of TGFBR1-related conditions (internal data). It has also been observed to segregate with disease in related individuals. ClinVar contains an entry for this variant (Variation ID: 222837). Invitae Evidence Modeling of protein sequence and biophysical properties (such as structural, functional, and spatial information, amino acid conservation, physicochemical variation, residue mobility, and thermodynamic stability) indicates that this missense variant is expected to disrupt TGFBR1 protein function with a positive predictive value of 80%. This variant disrupts the p.Gly312 amino acid residue in TGFBR1. Other variant(s) that disrupt this residue have been determined to be pathogenic (PMID: 16799921, 19542084, 26848186, 26877057, 30739908). This suggests that this residue is clinically significant, and that variants that disrupt this residue are likely to be disease-causing. In summary, the currently available evidence indicates that the variant is pathogenic, but additional data are needed to prove that conclusively. Therefore, this variant has been classified as Likely Pathogenic.

Ambry Genetics
Classification: Likely pathogenic for Familial thoracic aortic aneurysm and aortic dissection. Last evaluated: 2025-10-16. Review status: criteria provided, single submitter. Criteria: Ambry Variant Classification Scheme 2023. Collection method: clinical testing. Allele origin: germline.
Comment: The c.935G>A (p.G312D) alteration is located in exon 5 (coding exon 5) of the TGFBR1 gene. This alteration results from a G to A substitution at nucleotide position 935, causing the glycine (G) at amino acid position 312 to be replaced by an aspartic acid (D). This variant was not reported in population-based cohorts in the Genome Aggregation Database (gnomAD). Other variant(s) at the same codon, c.934G>A (p.G312S), have been identified in individual(s) with features consistent with TGFBR1-related Loeys-Dietz Syndrome (Ambry internal data). This amino acid position is highly conserved in available vertebrate species. This alteration is predicted to be deleterious by in silico analysis. Based on the available evidence, this alteration is classified as likely pathogenic.

GeneDx
Classification: Uncertain significance. Last evaluated: 2025-06-20. Review status: criteria provided, single submitter. Criteria: GeneDx Variant Classification Process June 2021. Collection method: clinical testing. Allele origin: germline. Affected: yes.
Comment: Has not been previously published as pathogenic or benign to our knowledge; In silico analysis supports that this missense variant has a deleterious effect on protein structure/function; Not observed at significant frequency in large population cohorts (gnomAD); This variant is associated with the following publications: (PMID: 16799921)

Literature cited by the submitters: PubMed 16799921 (cited by Labcorp Genetics (formerly Invitae), Labcorp); PubMed 19542084 (cited by Labcorp Genetics (formerly Invitae), Labcorp); PubMed 26848186 (cited by Labcorp Genetics (formerly Invitae), Labcorp); PubMed 26877057 (cited by Labcorp Genetics (formerly Invitae), Labcorp); PubMed 30739908 (cited by Labcorp Genetics (formerly Invitae), Labcorp).

NM_004612.4(TGFBR1):c.935G>A (p.Gly312Asp)

Gene: TGFBR1 (transforming growth factor beta receptor 1; plus strand). Cytogenetic location: 9q22.33.
Variant type: single nucleotide variant.
Coding change: c.935G>A on transcript NM_004612.4 (MANE Select); coding-DNA position 935, G replaced by A.
Protein change: p.Gly312Asp; replaces glycine 312 with aspartic acid.
Molecular consequence: missense variant.
Genome position (GRCh38, 1-based): chr9:99,142,665, G>A. VCF-style: chr9-99142665-G-A. GRCh37 (hg19) VCF-style: chr9-101904947-G-A.
Other names: c.704G>A, p.Gly235Asp (NM_001130916.3); c.947G>A, p.Gly316Asp (NM_001306210.2); short protein forms G312D, G235D, G316D.
Identifiers: ClinVar variation 222837 (VCV000222837.14), dbSNP rs869025535, ClinGen allele CA352067.